The following is an entry in ClinVar:

ClinVar aggregate classification (germline): Likely pathogenic (1 of 4 stars; one submission).

Submission:

Labcorp Genetics (formerly Invitae), Labcorp
Classification: Likely pathogenic. Last evaluated: 2024-02-09. Review status: criteria provided, single submitter. Criteria: Invitae Variant Classification Sherloc (09022015). Collection method: clinical testing. Allele origin: germline.
Comment: This sequence change replaces isoleucine, which is neutral and non-polar, with threonine, which is neutral and polar, at codon 336 of the ALPL protein (p.Ile336Thr). This variant is not present in population databases (gnomAD no frequency). This missense change has been observed in individual(s) with hypophosphatasia (Invitae). ClinVar contains an entry for this variant (Variation ID: 1347877). Advanced modeling of protein sequence and biophysical properties (such as structural, functional, and spatial information, amino acid conservation, physicochemical variation, residue mobility, and thermodynamic stability) performed at Invitae indicates that this missense variant is expected to disrupt ALPL protein function with a positive predictive value of 95%. In summary, the currently available evidence indicates that the variant is pathogenic, but additional data are needed to prove that conclusively. Therefore, this variant has been classified as Likely Pathogenic.

NM_000478.6(ALPL):c.1007T>C (p.Ile336Thr)

Gene: ALPL (alkaline phosphatase, biomineralization associated; plus strand). Cytogenetic location: 1p36.12.
Variant type: single nucleotide variant.
Coding change: c.1007T>C on transcript NM_000478.6 (MANE Select); coding-DNA position 1007, T replaced by C.
Protein change: p.Ile336Thr; replaces isoleucine 336 with threonine.
Molecular consequence: missense variant.
Genome position (GRCh38, 1-based): chr1:21,575,742, T>C. VCF-style: chr1-21575742-T-C. GRCh37 (hg19) VCF-style: chr1-21902235-T-C.
Other names: c.842T>C, p.Ile281Thr (NM_001127501.4); c.776T>C, p.Ile259Thr (NM_001177520.3); c.1007T>C, p.Ile336Thr (NM_001369803.2, NM_001369804.2, NM_001369805.2); short protein forms I259T, I281T, I336T.
Identifiers: ClinVar variation 1347877 (VCV001347877.6), dbSNP rs1644719271, ClinGen allele CA338880963.